The following is an entry in ClinVar:

NM_001018115.3(FANCD2):c.1947+7C>T

Genes: FANCD2 (FA complementation group D2; plus strand), LOC107303338 (3p25 FANCD2 Alu-mediated recombination region; plus strand). Cytogenetic location: 3p25.3.
Variant type: single nucleotide variant.
Coding change: c.1947+7C>T on transcript NM_001018115.3 (MANE Select); 7 bases into the intron after coding-DNA position 1947, C replaced by T.
Molecular consequence: intron variant.
Genome position (GRCh38, 1-based): chr3:10,063,918, C>T. VCF-style: chr3-10063918-C-T. GRCh37 (hg19) VCF-style: chr3-10105602-C-T.
Other names: c.1947+7C>T (NM_001319984.2, NM_033084.6, NM_001374254.1 and 1 more transcripts); c.1836+7C>T (NM_001374253.1).
Identifiers: ClinVar variation 2153299 (VCV002153299.6), dbSNP rs1282061466, ClinGen allele CA2577504405.

ClinVar aggregate classification (germline): Likely benign. Review status: criteria provided, single submitter (1 of 4 stars). 2 submissions from 2 submitters: Likely benign (1). 1 of the submissions does not count toward it. Last evaluated 2023-08-19.

Conditions:
Fanconi anemia (FA). Also called: Fanconi's anemia. Identifiers: Orphanet 84, MedGen C0015625, MeSH D005199, MONDO:0019391.
FANCD2-related disorder. Also called: FANCD2-related condition.

Submissions (2):

Labcorp Genetics (formerly Invitae), Labcorp
Classification: Likely benign for Fanconi anemia. Last evaluated: 2023-08-19. Review status: criteria provided, single submitter. Criteria: Invitae Variant Classification Sherloc (09022015). Collection method: clinical testing. Allele origin: germline.

PreventionGenetics, part of Exact Sciences
Classification: Likely benign for FANCD2-related condition. Last evaluated: 2019-09-17. Review status: no assertion criteria provided. Collection method: clinical testing. Allele origin: germline. Not counted in ClinVar's aggregate classification.
Comment: This variant is classified as likely benign based on ACMG/AMP sequence variant interpretation guidelines (Richards et al. 2015 PMID: 25741868, with internal and published modifications).